The following is an entry in ClinVar:

ClinVar aggregate classification (germline): Uncertain significance (1 of 4 stars; one submission).

Conditions:
Hereditary cancer-predisposing syndrome. Also called: Hereditary neoplastic syndrome; Neoplastic Syndromes, Hereditary; Tumor predisposition; Hereditary Cancer Syndrome. Identifiers: Orphanet 140162, MedGen C0027672, MeSH D009386, MONDO:0015356.

Submission:

Ambry Genetics
Classification: Uncertain significance for Hereditary cancer-predisposing syndrome. Last evaluated: 2025-08-10. Review status: criteria provided, single submitter. Criteria: Ambry Variant Classification Scheme 2023. Collection method: clinical testing. Allele origin: germline.
Comment: The p.E1237K variant (also known as c.3709G>A), located in coding exon 30 of the POLE gene, results from a G to A substitution at nucleotide position 3709. The glutamic acid at codon 1237 is replaced by lysine, an amino acid with similar properties. This amino acid position is conserved. In addition, this alteration is predicted to be tolerated by in silico analysis. Based on the available evidence, the clinical significance of this variant remains unclear.

NM_006231.4(POLE):c.3709G>A (p.Glu1237Lys)

Gene: POLE (DNA polymerase epsilon, catalytic subunit; minus strand). Cytogenetic location: 12q24.33.
Variant type: single nucleotide variant.
Coding change: c.3709G>A on transcript NM_006231.4 (MANE Select); coding-DNA position 3709, G replaced by A.
Protein change: p.Glu1237Lys; replaces glutamic acid 1237 with lysine.
Molecular consequence: missense variant.
Genome position (GRCh38, 1-based): chr12:132,649,763, C>T on the plus strand (G>A on the coding strand, the complement: POLE is on the minus strand). VCF-style: chr12-132649763-C-T. GRCh37 (hg19) VCF-style: chr12-133226349-C-T.
Other names: short protein forms E1237K.
Identifiers: ClinVar variation 4141197 (VCV004141197.1).